The following is an entry in ClinVar:

NM_005902.4(SMAD3):c.371C>A (p.Pro124His)

Gene: SMAD3 (SMAD family member 3; plus strand). Cytogenetic location: 15q22.33.
Variant type: single nucleotide variant.
Coding change: c.371C>A on transcript NM_005902.4 (MANE Select); coding-DNA position 371, C replaced by A.
Protein change: p.Pro124His; replaces proline 124 with histidine.
Molecular consequence: missense variant.
Genome position (GRCh38, 1-based): chr15:67,165,059, C>A. VCF-style: chr15-67165059-C-A. GRCh37 (hg19) VCF-style: chr15-67457397-C-A.
Other names: c.56C>A, p.Pro19His (NM_001145102.2, NM_001407015.1, NM_001407016.1); c.239C>A, p.Pro80His (NM_001145103.2); c.371C>A, p.Pro124His (NM_001407011.1, NM_001407012.1, NM_001407013.1); c.224C>A, p.Pro75His (NM_001407014.1); short protein forms P80H, P124H, P19H, P75H.
Identifiers: ClinVar variation 4741422 (VCV004741422.1).

ClinVar aggregate classification (germline): Uncertain significance (1 of 4 stars; one submission).

Conditions:
Familial thoracic aortic aneurysm and aortic dissection (TAAD). Also called: Thoracic aortic aneurysms and dissections. Identifiers: Orphanet 91387, MedGen C4707243, MONDO:0019625.

Submission:

Labcorp Genetics (formerly Invitae), Labcorp
Classification: Uncertain significance for Familial thoracic aortic aneurysm and aortic dissection. Last evaluated: 2026-01-27. Review status: criteria provided, single submitter. Criteria: Invitae Variant Classification Sherloc (09022015). Collection method: clinical testing. Allele origin: germline.
Comment: This sequence change replaces proline, which is neutral and non-polar, with histidine, which is basic and polar, at codon 124 of the SMAD3 protein (p.Pro124His). This variant is not present in population databases (gnomAD no frequency). This variant has not been reported in the literature in individuals affected with SMAD3-related conditions. Invitae Evidence Modeling of protein sequence and biophysical properties (such as structural, functional, and spatial information, amino acid conservation, physicochemical variation, residue mobility, and thermodynamic stability) indicates that this missense variant is expected to disrupt SMAD3 protein function with a positive predictive value of 80%. This variant disrupts the p.Pro124 amino acid residue in SMAD3. Other variant(s) that disrupt this residue have been determined to be pathogenic (PMID: 27986426; internal data). This suggests that this residue is clinically significant, and that variants that disrupt this residue are likely to be disease-causing. In summary, the available evidence is currently insufficient to determine the role of this variant in disease. Therefore, it has been classified as a Variant of Uncertain Significance.

Literature cited by the submitters: PubMed 27986426.